The following is an entry in ClinVar:

ClinVar aggregate classification (germline): Conflicting classifications of pathogenicity. Review status: criteria provided, conflicting classifications (1 of 4 stars). 3 submissions from 3 submitters: Uncertain significance (2); Likely benign (1). Last evaluated 2024-01-18.

Conditions:
Hereditary breast ovarian cancer syndrome. Also called: Hereditary breast and ovarian cancer syndrome (HBOC); Breast and ovarian cancer; BRCA1- and BRCA2-Associated Hereditary Breast and Ovarian Cancer; Hereditary breast and/or ovarian cancer syndrome; Hereditary breast and ovarian cancer; Hereditary breast and ovarian cancer syndrome. Identifiers: Orphanet 145, MedGen C0677776, MeSH D061325, MONDO:0003582. Disease mechanism: loss of function.
Hereditary cancer-predisposing syndrome. Also called: Hereditary Cancer Syndrome; Hereditary neoplastic syndrome; Neoplastic Syndromes, Hereditary; Tumor predisposition. Identifiers: Orphanet 140162, MedGen C0027672, MeSH D009386, MONDO:0015356.

Submissions (3):

Labcorp Genetics (formerly Invitae), Labcorp
Classification: Uncertain significance for Hereditary breast ovarian cancer syndrome. Last evaluated: 2024-01-18. Review status: criteria provided, single submitter. Criteria: Invitae Variant Classification Sherloc (09022015). Collection method: clinical testing. Allele origin: germline.
Comment: This sequence change replaces isoleucine, which is neutral and non-polar, with valine, which is neutral and non-polar, at codon 1065 of the BRCA2 protein (p.Ile1065Val). This variant is not present in population databases (gnomAD no frequency). This variant has not been reported in the literature in individuals affected with BRCA2-related conditions. ClinVar contains an entry for this variant (Variation ID: 1430887). Advanced modeling of protein sequence and biophysical properties (such as structural, functional, and spatial information, amino acid conservation, physicochemical variation, residue mobility, and thermodynamic stability) performed at Invitae indicates that this missense variant is not expected to disrupt BRCA2 protein function with a negative predictive value of 95%. In summary, the available evidence is currently insufficient to determine the role of this variant in disease. Therefore, it has been classified as a Variant of Uncertain Significance.

GeneDx
Classification: Uncertain significance. Last evaluated: 2023-07-07. Review status: criteria provided, single submitter. Criteria: GeneDx Variant Classification Process June 2021. Collection method: clinical testing. Allele origin: germline. Affected: yes.
Comment: Not observed at significant frequency in large population cohorts (gnomAD); In silico analysis supports that this missense variant does not alter protein structure/function; Has not been previously published as pathogenic or benign to our knowledge; Also known as 3421A>G; This variant is associated with the following publications: (PMID: 31911673)

University of Washington Department of Laboratory Medicine, University of Washington
Classification: Likely benign for Hereditary cancer-predisposing syndrome. Last evaluated: 2023-03-23. Review status: criteria provided, single submitter. Criteria: Dines et al. (Genet Med. 2020). Collection method: curation. Allele origin: germline.
Comment: Missense variant in a coldspot region where missense variants are very unlikely to be pathogenic (PMID:31911673).

BRCA2 exon 11 coldspot. Reclassification based on statistical prior probability.

NM_000059.4(BRCA2):c.3193A>G (p.Ile1065Val)

Gene: BRCA2 (BRCA2 DNA repair associated; plus strand). Cytogenetic location: 13q13.1.
Variant type: single nucleotide variant.
Coding change: c.3193A>G on transcript NM_000059.4 (MANE Select); coding-DNA position 3193, A replaced by G.
Protein change: p.Ile1065Val; replaces isoleucine 1065 with valine.
Molecular consequence: missense variant.
Genome position (GRCh38, 1-based): chr13:32,337,548, A>G. VCF-style: chr13-32337548-A-G. GRCh37 (hg19) VCF-style: chr13-32911685-A-G.
Other names: c.3193A>G (NM_000059.3); short protein forms I1065V.
Identifiers: ClinVar variation 1430887 (VCV001430887.14), dbSNP rs2137494162, ClinGen allele CA387775848.